The following is an entry in ClinVar:

NM_024422.6(DSC2):c.1591A>G (p.Arg531Gly)

Gene: DSC2 (desmocollin 2; minus strand). Cytogenetic location: 18q12.1.
Variant type: single nucleotide variant.
Coding change: c.1591A>G on transcript NM_024422.6 (MANE Select); coding-DNA position 1591, A replaced by G.
Protein change: p.Arg531Gly; replaces arginine 531 with glycine.
Molecular consequence: missense variant.
Genome position (GRCh38, 1-based): chr18:31,079,919, T>C on the plus strand (A>G on the coding strand, the complement: DSC2 is on the minus strand). VCF-style: chr18-31079919-T-C. GRCh37 (hg19) VCF-style: chr18-28659885-T-C.
Other names: c.1591A>G, p.Arg531Gly (NM_004949.5); short protein forms R531G.
Identifiers: ClinVar variation 892533 (VCV000892533.8), dbSNP rs727502981, ClinGen allele CA402108000.

ClinVar aggregate classification (germline): Uncertain significance. Review status: criteria provided, multiple submitters, no conflicts (2 of 4 stars). 4 submissions from 4 submitters: Uncertain significance (4). Last evaluated 2025-10-18.

Conditions:
Cardiovascular phenotype. Identifiers: MedGen CN230736.
Arrhythmogenic right ventricular dysplasia 11. Also called: ARRHYTHMOGENIC RIGHT VENTRICULAR DYSPLASIA, FAMILIAL, 11; Arrhythmogenic Right Ventricular Dysplasia/Cardiomyopathy11; Arrhythmogenic right ventricular dysplasia 11 with mild palmoplantar keratoderma and woolly hair. Identifiers: MedGen C1864850, MONDO:0012506, OMIM 610476.

gnomAD v4.1: 2 of 1,614,036 alleles (0.00012%); highest among the groups gnomAD compares: Non-Finnish European, 0.00017%; no homozygotes.

Submissions (4):

Ambry Genetics
Classification: Uncertain significance for Cardiovascular phenotype. Last evaluated: 2025-10-18. Review status: criteria provided, single submitter. Criteria: Ambry Variant Classification Scheme 2023. Collection method: clinical testing. Allele origin: germline.

GeneDx
Classification: Uncertain significance. Last evaluated: 2024-12-20. Review status: criteria provided, single submitter. Criteria: GeneDx Variant Classification Process June 2021. Collection method: clinical testing. Allele origin: germline. Affected: yes.
Comment: Not observed at significant frequency in large population cohorts (gnomAD); In silico analysis supports that this missense variant has a deleterious effect on protein structure/function; Has not been previously published as pathogenic or benign to our knowledge

Labcorp Genetics (formerly Invitae), Labcorp
Classification: Uncertain significance for Arrhythmogenic right ventricular dysplasia 11. Last evaluated: 2024-05-27. Review status: criteria provided, single submitter. Criteria: Invitae Variant Classification Sherloc (09022015). Collection method: clinical testing. Allele origin: germline.
Comment: This sequence change replaces arginine, which is basic and polar, with glycine, which is neutral and non-polar, at codon 531 of the DSC2 protein (p.Arg531Gly). This variant is not present in population databases (gnomAD no frequency). This variant has not been reported in the literature in individuals affected with DSC2-related conditions. ClinVar contains an entry for this variant (Variation ID: 892533). Advanced modeling of protein sequence and biophysical properties (such as structural, functional, and spatial information, amino acid conservation, physicochemical variation, residue mobility, and thermodynamic stability) has been performed at Invitae for this missense variant, however the output from this modeling did not meet the statistical confidence thresholds required to predict the impact of this variant on DSC2 protein function. In summary, the available evidence is currently insufficient to determine the role of this variant in disease. Therefore, it has been classified as a Variant of Uncertain Significance.

Illumina Laboratory Services, Illumina
Classification: Uncertain significance for Arrhythmogenic right ventricular dysplasia 11. Last evaluated: 2017-04-27. Review status: criteria provided, single submitter. Criteria: ICSL Variant Classification Criteria 13 December 2019. Collection method: clinical testing. Allele origin: germline.